The following is an entry in ClinVar:

NM_001079.4(ZAP70):c.7G>C (p.Asp3His)

Gene: ZAP70 (zeta chain of T cell receptor associated protein kinase 70; plus strand). Cytogenetic location: 2q11.2.
Variant type: single nucleotide variant.
Coding change: c.7G>C on transcript NM_001079.4 (MANE Select); coding-DNA position 7, G replaced by C.
Protein change: p.Asp3His; replaces aspartic acid 3 with histidine.
Molecular consequence: missense variant.
Genome position (GRCh38, 1-based): chr2:97,724,043, G>C. VCF-style: chr2-97724043-G-C. GRCh37 (hg19) VCF-style: chr2-98340506-G-C.
Other names: c.7G>C, p.Asp3His (NM_001378594.1); short protein forms D3H.
Identifiers: ClinVar variation 538567 (VCV000538567.8), dbSNP rs1009114725, ClinGen allele CA52553094.

ClinVar aggregate classification (germline): Uncertain significance (1 of 4 stars; one submission).

Conditions:
Combined immunodeficiency due to ZAP70 deficiency (IMD48). Also called: Immunodeficiency 48; ZAP70 Deficiency. Identifiers: Orphanet 911, MedGen C2931299, MONDO:0010023, OMIM 269840.

Allele frequency attached by ClinVar (database versions not stated): TOPMed below 0.00001; gnomAD 0.00001; gnomAD exomes 0.00001.
gnomAD v4.1: 10 of 1,551,228 alleles (0.00064%); highest among the groups gnomAD compares: Non-Finnish European, 0.00087%; no homozygotes.

Submission:

Labcorp Genetics (formerly Invitae), Labcorp
Classification: Uncertain significance for Combined immunodeficiency due to ZAP70 deficiency. Last evaluated: 2018-11-06. Review status: criteria provided, single submitter. Criteria: Invitae Variant Classification Sherloc (09022015). Collection method: clinical testing. Allele origin: germline.
Comment: In summary, the available evidence is currently insufficient to determine the role of this variant in disease. Therefore, it has been classified as a Variant of Uncertain Significance. This sequence change replaces aspartic acid with histidine at codon 3 of the ZAP70 protein (p.Asp3His). The aspartic acid residue is moderately conserved and there is a moderate physicochemical difference between aspartic acid and histidine. While this variant is not present in population databases, the frequency information is unreliable, as metrics indicate poor data quality at this position in the ExAC database. This variant has not been reported in the literature in individuals with ZAP70-related disease. Algorithms developed to predict the effect of missense changes on protein structure and function do not agree on the potential impact of this missense change (SIFT: "Tolerated"; PolyPhen-2: "Possibly Damaging"; Align-GVGD: "Class C0").